The following is an entry in ClinVar:

NM_020693.4(DSCAML1):c.3084G>C (p.Glu1028Asp)

Gene: DSCAML1 (DS cell adhesion molecule like 1; minus strand). Cytogenetic location: 11q23.3.
Variant type: single nucleotide variant.
Coding change: c.3084G>C on transcript NM_020693.4 (MANE Select); coding-DNA position 3084, G replaced by C.
Protein change: p.Glu1028Asp; replaces glutamic acid 1028 with aspartic acid.
Molecular consequence: missense variant.
Genome position (GRCh38, 1-based): chr11:117,465,123, C>G on the plus strand (G>C on the coding strand, the complement: DSCAML1 is on the minus strand). VCF-style: chr11-117465123-C-G. GRCh37 (hg19) VCF-style: chr11-117335839-C-G.
Other names: short protein forms E1028D.
Identifiers: ClinVar variation 3726813 (VCV003726813.2).
Genomic context (GRCh38, chr11:117,465,123, plus strand): 5'-GCTGTCCCCCGTGGCCTTCATCTCCACGATGCTGTACTGCCCGTTGCTGCCGGGGCTGTT[C>G]TCTCTGTAGCCAATCTGGTAGCCCCGGATGACACCGTTCTGCAGCTCCTTCTTGGGTGCC-3'
Protein context (NP_065744.3, residues 1018-1038): VIRGYQIGYR[Glu1028Asp]NSPGSNGQYS

ClinVar aggregate classification (germline): Uncertain significance (1 of 4 stars; one submission).

gnomAD v4.1: 1 of 1,614,138 alleles (0.000062%); highest among the groups gnomAD compares: South Asian, 0.0011%; no homozygotes.

Submission:

Labcorp Genetics (formerly Invitae), Labcorp
Classification: Uncertain significance. Last evaluated: 2024-12-07. Review status: criteria provided, single submitter. Criteria: Invitae Variant Classification Sherloc (09022015). Collection method: clinical testing. Allele origin: germline.
Comment: This sequence change replaces glutamic acid, which is acidic and polar, with aspartic acid, which is acidic and polar, at codon 1088 of the DSCAML1 protein (p.Glu1088Asp). This variant is not present in population databases (gnomAD no frequency). This variant has not been reported in the literature in individuals affected with DSCAML1-related conditions. An algorithm developed to predict the effect of missense changes on protein structure and function (PolyPhen-2) suggests that this variant is likely to be disruptive. In summary, the available evidence is currently insufficient to determine the role of this variant in disease. Therefore, it has been classified as a Variant of Uncertain Significance.